The following is an entry in ClinVar:

ClinVar aggregate classification (germline): Uncertain significance (1 of 4 stars; one submission).

Submission:

Labcorp Genetics (formerly Invitae), Labcorp
Classification: Uncertain significance. Last evaluated: 2025-07-14. Review status: criteria provided, single submitter. Criteria: Invitae Variant Classification Sherloc (09022015). Collection method: clinical testing. Allele origin: germline.
Comment: This sequence change replaces proline, which is neutral and non-polar, with leucine, which is neutral and non-polar, at codon 962 of the CSF1R protein (p.Pro962Leu). This variant is not present in population databases (gnomAD no frequency). This variant has not been reported in the literature in individuals affected with CSF1R-related conditions. ClinVar contains an entry for this variant (Variation ID: 2875604). Invitae Evidence Modeling of protein sequence and biophysical properties (such as structural, functional, and spatial information, amino acid conservation, physicochemical variation, residue mobility, and thermodynamic stability) indicates that this missense variant is not expected to disrupt CSF1R protein function with a negative predictive value of 95%. In summary, the available evidence is currently insufficient to determine the role of this variant in disease. Therefore, it has been classified as a Variant of Uncertain Significance.

NM_001288705.3(CSF1R):c.2885C>T (p.Pro962Leu)

Gene: CSF1R (colony stimulating factor 1 receptor; minus strand). Cytogenetic location: 5q32.
Variant type: single nucleotide variant.
Coding change: c.2885C>T on transcript NM_001288705.3 (MANE Select); coding-DNA position 2885, C replaced by T.
Protein change: p.Pro962Leu; replaces proline 962 with leucine.
Molecular consequence: missense variant. On other transcripts: non-coding transcript variant (2).
Genome position (GRCh38, 1-based): chr5:150,054,103, G>A on the plus strand (C>T on the coding strand, the complement: CSF1R is on the minus strand). VCF-style: chr5-150054103-G-A. GRCh37 (hg19) VCF-style: chr5-149433666-G-A.
Other names: c.2885C>T, p.Pro962Leu (NM_001349736.2, NM_001375320.1, NM_005211.4); c.2441C>T, p.Pro814Leu (NM_001375321.1); short protein forms P814L, P962L.
Identifiers: ClinVar variation 2875604 (VCV002875604.3), dbSNP rs2480934378, ClinGen allele CA361756087.